The following is an entry in ClinVar:

NM_152564.5(VPS13B):c.11314G>A (p.Gly3772Ser)

Gene: VPS13B (vacuolar protein sorting 13 homolog B; plus strand). Cytogenetic location: 8q22.2.
Variant type: single nucleotide variant.
Coding change: c.11314G>A on transcript NM_152564.5 (MANE Select); coding-DNA position 11314, G replaced by A.
Protein change: p.Gly3772Ser; replaces glycine 3772 with serine.
Molecular consequence: missense variant.
Genome position (GRCh38, 1-based): chr8:99,868,387, G>A. VCF-style: chr8-99868387-G-A. GRCh37 (hg19) VCF-style: chr8-100880615-G-A.
Other names: c.11389G>A, p.Gly3797Ser (NM_017890.5); short protein forms G3797S, G3772S.
Identifiers: ClinVar variation 2127353 (VCV002127353.5), dbSNP rs2492347024, ClinGen allele CA371792096.
Genomic context (GRCh38, chr8:99,868,387, plus strand): 5'-TTCCAGAAAACATCTGAGGCACAGGCTTCAGCAGGACACAAGGCCAAGGGTGTCATCTCG[G>A]GTGTGGGGAAAGGAATCATGGGGGTGTTCACAAAGCCCATCGGAGGAGCTGCTGAGCTGG-3'
Protein context (NP_689777.3, residues 3762-3782): AGHKAKGVIS[Gly3772Ser]VGKGIMGVFT

ClinVar aggregate classification (germline): Uncertain significance. Review status: criteria provided, single submitter (1 of 4 stars). 2 submissions from 2 submitters: Uncertain significance (1). 1 of the submissions does not count toward it. Last evaluated 2022-05-13.

Conditions:
Cohen syndrome (COH1). Also called: Cutis verticis gyrata, retinitis pigmentosa, and sensorineural deafness; PEPPER SYNDROME. Identifiers: Orphanet 193, MedGen C0265223, MONDO:0008999, OMIM 216550.

Submissions (2):

Labcorp Genetics (formerly Invitae), Labcorp
Classification: Uncertain significance for Cohen syndrome. Last evaluated: 2022-05-13. Review status: criteria provided, single submitter. Criteria: Invitae Variant Classification Sherloc (09022015). Collection method: clinical testing. Allele origin: germline.
Comment: In summary, the available evidence is currently insufficient to determine the role of this variant in disease. Therefore, it has been classified as a Variant of Uncertain Significance. Algorithms developed to predict the effect of missense changes on protein structure and function are either unavailable or do not agree on the potential impact of this missense change (SIFT: "Not Available"; PolyPhen-2: "Probably Damaging"; Align-GVGD: "Not Available"). This variant has not been reported in the literature in individuals affected with VPS13B-related conditions. This variant is not present in population databases (gnomAD no frequency). This sequence change replaces glycine, which is neutral and non-polar, with serine, which is neutral and polar, at codon 3797 of the VPS13B protein (p.Gly3797Ser).

Natera, Inc.
Classification: Uncertain significance for Cohen syndrome. Last evaluated: 2025-03-22. Review status: no assertion criteria provided. Collection method: clinical testing. Allele origin: germline. Not counted in ClinVar's aggregate classification.